The following is an entry in ClinVar:

NM_006031.6(PCNT):c.1891T>C (p.Leu631=)

Gene: PCNT (pericentrin; plus strand). Cytogenetic location: 21q22.3.
Variant type: single nucleotide variant.
Coding change: c.1891T>C on transcript NM_006031.6 (MANE Select); coding-DNA position 1891, T replaced by C.
Protein change: p.Leu631=; no amino-acid change (leucine 631 retained).
Molecular consequence: synonymous variant.
Genome position (GRCh38, 1-based): chr21:46,355,581, T>C. VCF-style: chr21-46355581-T-C. GRCh37 (hg19) VCF-style: chr21-47775496-T-C.
Other names: c.1891T>C (NM_006031.5); c.1537T>C, p.Leu513= (NM_001315529.2).
Identifiers: ClinVar variation 2891282 (VCV002891282.5), dbSNP rs765992534, ClinGen allele CA10078799.
Genomic context (GRCh38, chr21:46,355,581, plus strand): 5'-CCCCTCTGCATCCAGCACGAGGGGCATGTCTCAGACAGATGCTGCGTAGAGACTTCAGCA[T>C]TGGGACACGAGTGGCGTCTGGAACCCTCTGAAGGGCACAGCCAAGGTGGGCCCCTCCCGC-3'
Protein context (NP_006022.3, residues 621-641): SDRCCVETSA[Leu631=]GHEWRLEPSE

ClinVar aggregate classification (germline): Likely benign. Review status: criteria provided, single submitter (1 of 4 stars). 2 submissions from 2 submitters: Likely benign (1). 1 of the submissions does not count toward it. Last evaluated 2023-12-18.

Conditions:
PCNT-related disorder. Also called: PCNT-related condition.

Allele frequency attached by ClinVar (database versions not stated): ExAC 0.00001; gnomAD 0.00003; TOPMed 0.00003.
gnomAD v4.1: 21 of 1,613,978 alleles (0.0013%); highest among the groups gnomAD compares: Middle Eastern, 0.016%; no homozygotes.

Submissions (2):

Labcorp Genetics (formerly Invitae), Labcorp
Classification: Likely benign. Last evaluated: 2023-12-18. Review status: criteria provided, single submitter. Criteria: Invitae Variant Classification Sherloc (09022015). Collection method: clinical testing. Allele origin: germline.

PreventionGenetics, part of Exact Sciences
Classification: Likely benign for PCNT-related condition. Last evaluated: 2021-11-24. Review status: no assertion criteria provided. Collection method: clinical testing. Allele origin: germline. Not counted in ClinVar's aggregate classification.
Comment: This variant is classified as likely benign based on ACMG/AMP sequence variant interpretation guidelines (Richards et al. 2015 PMID: 25741868, with internal and published modifications).